The following is an entry in ClinVar:

ClinVar aggregate classification (germline): Uncertain significance (1 of 4 stars; one submission).

Conditions:
Charcot-Marie-Tooth disease type 2. Also called: Charcot-Marie-Tooth type 2. Identifiers: Orphanet 64746, MedGen C0270914, MONDO:0018993.

gnomAD v4.1: 1 of 1,614,118 alleles (0.000062%); highest among the groups gnomAD compares: Non-Finnish European, 0.000085%; no homozygotes.

Submission:

Labcorp Genetics (formerly Invitae), Labcorp
Classification: Uncertain significance for Charcot-Marie-Tooth disease type 2. Last evaluated: 2018-12-25. Review status: criteria provided, single submitter. Criteria: Invitae Variant Classification Sherloc (09022015). Collection method: clinical testing. Allele origin: germline.
Comment: This sequence change replaces glutamine with lysine at codon 123 of the MED25 protein (p.Gln123Lys). The glutamine residue is highly conserved and there is a small physicochemical difference between glutamine and lysine. This variant is not present in population databases (ExAC no frequency). This variant has not been reported in the literature in individuals with MED25-related conditions. Algorithms developed to predict the effect of missense changes on protein structure and function are either unavailable or do not agree on the potential impact of this missense change (SIFT: "Deleterious"; PolyPhen-2: "Possibly Damaging"; Align-GVGD: "Class C0"). In summary, the available evidence is currently insufficient to determine the role of this variant in disease. Therefore, it has been classified as a Variant of Uncertain Significance.

NM_030973.4(MED25):c.367C>A (p.Gln123Lys)

Gene: MED25 (mediator complex subunit 25; plus strand). Cytogenetic location: 19q13.33.
Variant type: single nucleotide variant.
Coding change: c.367C>A on transcript NM_030973.4 (MANE Select); coding-DNA position 367, C replaced by A.
Protein change: p.Gln123Lys; replaces glutamine 123 with lysine.
Molecular consequence: missense variant.
Genome position (GRCh38, 1-based): chr19:49,828,510, C>A. VCF-style: chr19-49828510-C-A. GRCh37 (hg19) VCF-style: chr19-50331767-C-A.
Other names: c.367C>A, p.Gln123Lys (NM_001378355.1); short protein forms Q123K.
Identifiers: ClinVar variation 661550 (VCV000661550.7), dbSNP rs764968113, ClinGen allele CA406912042.
Genomic context (GRCh38, chr19:49,828,510, plus strand): 5'-TTCATGGGCGGGGGTGGTGAGAGCTGCAGCCTCATCGCGGAAGGACTCAGCACAGCCTTG[C>A]AGCTGTTTGATGACTTCAAGAAGATGCGCGAGCAGATGTGAGTGCCCCCTCCACCCAGGC-3'
Protein context (NP_112235.2, residues 113-133): LIAEGLSTAL[Gln123Lys]LFDDFKKMRE